The following is an entry in ClinVar:

ClinVar aggregate classification (germline): Uncertain significance (1 of 4 stars; one submission).

Submission:

GeneDx
Classification: Uncertain significance. Last evaluated: 2024-11-18. Review status: criteria provided, single submitter. Criteria: GeneDx Variant Classification Process June 2021. Collection method: clinical testing. Allele origin: germline. Affected: yes.
Comment: Nonsense variant predicted to result in protein truncation or nonsense mediated decay in a gene or region of a gene for which loss of function is not a well-established mechanism of disease; Not observed at significant frequency in large population cohorts (gnomAD); Has not been previously published as pathogenic or benign to our knowledge

NM_015959.4(TMX2):c.552C>G (p.Tyr184Ter)

Genes: TMX2 (thioredoxin related transmembrane protein 2; plus strand), TMX2-CTNND1 (TMX2-CTNND1 readthrough (NMD candidate); plus strand). Cytogenetic location: 11q12.1.
Variant type: single nucleotide variant.
Coding change: c.552C>G on transcript NM_015959.4 (MANE Select); coding-DNA position 552, C replaced by G.
Protein change: p.Tyr184Ter; replaces tyrosine 184 with a stop codon.
Molecular consequence: nonsense. On other transcripts: non-coding transcript variant (4).
Genome position (GRCh38, 1-based): chr11:57,738,977, C>G. VCF-style: chr11-57738977-C-G. GRCh37 (hg19) VCF-style: chr11-57506449-C-G.
Other names: c.438C>G, p.Tyr146Ter (NM_001144012.3); c.552C>G, p.Tyr184Ter (NM_001347890.2, NM_001347898.2); c.468C>G, p.Tyr156Ter (NM_001347891.2); c.345C>G, p.Tyr115Ter (NM_001347892.2); c.270C>G, p.Tyr90Ter (NM_001347893.2, NM_001347894.2, NM_001347895.2 and 1 more transcripts); short protein forms Y115*, Y146*, Y156*, Y184*, Y90*.
Identifiers: ClinVar variation 3899443 (VCV003899443.1).